The following is an entry in ClinVar:

ClinVar aggregate classification (germline): Benign/Likely benign. Review status: criteria provided, multiple submitters, no conflicts (2 of 4 stars). 12 submissions from 12 submitters: Benign (6); Likely benign (3). 3 of the submissions do not count toward it. Last evaluated 2026-09-01.

Conditions:
Holoprosencephaly sequence (HPE). Also called: Holoprosencephaly. Identifiers: Orphanet 2162, MedGen C0079541, MONDO:0016296, HP:0001360.

Allele frequency attached by ClinVar (database versions not stated): 1000 Genomes Project 0.00120; 1000 Genomes Project 30x 0.00125; TOPMed 0.00396; ESP Exome Variant Server 0.00464; gnomAD 0.00471 and 0.00444; ExAC 0.00560.
gnomAD v4.1: 9,248 of 1,606,692 alleles (0.58%); highest among the groups gnomAD compares: Non-Finnish European, 0.73%; 38 homozygotes.

Submissions (12):

CeGaT Center for Human Genetics Tuebingen
Classification: Likely benign. Last evaluated: 2026-09-01. Review status: criteria provided, single submitter. Criteria: CeGaT Center For Human Genetics Tuebingen Variant Classification Criteria Version 2. Collection method: clinical testing. Allele origin: germline. Affected: yes. Observed: 26 variant alleles.
Comment: FOXH1: BS2

Labcorp Genetics (formerly Invitae), Labcorp
Classification: Benign for Holoprosencephaly sequence. Last evaluated: 2026-01-12. Review status: criteria provided, single submitter. Criteria: Invitae Variant Classification Sherloc (09022015). Collection method: clinical testing. Allele origin: germline.

Women's Health and Genetics/Laboratory Corporation of America, LabCorp
Classification: Likely benign. Last evaluated: 2025-01-22. Review status: criteria provided, single submitter. Criteria: LabCorp Variant Classification Summary - May 2015. Collection method: clinical testing. Allele origin: germline.

Blueprint Genetics
Classification: Benign. Last evaluated: 2024-11-27. Review status: criteria provided, single submitter. Criteria: ACMG Guidelines, 2015. Collection method: clinical testing. Allele origin: germline.

GeneDx
Classification: Benign. Last evaluated: 2020-02-24. Review status: criteria provided, single submitter. Criteria: GeneDx Variant Classification Process June 2021. Collection method: clinical testing. Allele origin: germline. Affected: yes.
Comment: This variant is associated with the following publications: (PMID: 18538293, 25093829, 32859249)

Illumina Laboratory Services, Illumina
Classification: Benign for Holoprosencephaly sequence. Last evaluated: 2018-03-06. Review status: criteria provided, single submitter. Criteria: ICSL Variant Classification Criteria 13 December 2019. Collection method: clinical testing. Allele origin: germline.
Comment: This variant was observed in the ICSL laboratory as part of a predisposition screen in an ostensibly healthy population. It had not been previously curated by ICSL or reported in the Human Gene Mutation Database (HGMD: prior to June 1st, 2018), and was therefore a candidate for classification through an automated scoring system. Utilizing variant allele frequency, disease prevalence and penetrance estimates, and inheritance mode, an automated score was calculated to assess if this variant is too frequent to cause the disease. Based on the score and internal cut-off values, a variant classified as benign is not then subjected to further curation. The score for this variant resulted in a classification of benign for this disease.

Genomic Diagnostic Laboratory, Division of Genomic Diagnostics, Children's Hospital of Philadelphia
Classification: Benign. Last evaluated: 2015-06-23. Review status: criteria provided, single submitter. Criteria: DGD Variant Analysis Guidelines. Collection method: clinical testing. Allele origin: unknown.

Eurofins Ntd Llc (ga)
Classification: Benign. Last evaluated: 2013-08-09. Review status: criteria provided, single submitter. Criteria: EGL Classification Definitions 2015. Collection method: clinical testing. Allele origin: germline. Observed: 3 variant alleles, 3 heterozygotes.

PreventionGenetics, part of Exact Sciences
Classification: Likely benign. Review status: criteria provided, single submitter. Criteria: ACMG Guidelines, 2015. Collection method: clinical testing. Allele origin: germline.

Diagnostic Laboratory, Department of Genetics, University Medical Center Groningen
Classification: Likely benign. Review status: no assertion criteria provided. Collection method: clinical testing. Allele origin: germline. Affected: yes. Study: VKGL Data-share Consensus. Not counted in ClinVar's aggregate classification.

Genome Diagnostics Laboratory, University Medical Center Utrecht
Classification: Likely benign. Review status: no assertion criteria provided. Collection method: clinical testing. Allele origin: germline. Affected: yes. Study: VKGL Data-share Consensus. Not counted in ClinVar's aggregate classification.

Laboratory of Diagnostic Genome Analysis, Leiden University Medical Center (LUMC)
Classification: Likely benign. Review status: no assertion criteria provided. Collection method: clinical testing. Allele origin: germline. Affected: yes. Study: VKGL Data-share Consensus. Not counted in ClinVar's aggregate classification.

NM_003923.3(FOXH1):c.338G>C (p.Ser113Thr)

Gene: FOXH1 (forkhead box H1; minus strand). Cytogenetic location: 8q24.3.
Variant type: single nucleotide variant.
Coding change: c.338G>C on transcript NM_003923.3 (MANE Select); coding-DNA position 338, G replaced by C.
Protein change: p.Ser113Thr; replaces serine 113 with threonine.
Molecular consequence: missense variant.
Genome position (GRCh38, 1-based): chr8:144,474,998, C>G on the plus strand (G>C on the coding strand, the complement: FOXH1 is on the minus strand). VCF-style: chr8-144474998-C-G. GRCh37 (hg19) VCF-style: chr8-145700381-C-G.
Other names: short protein forms S113T.
Identifiers: ClinVar variation 94385 (VCV000094385.49), dbSNP rs144830740, ClinGen allele CA248668.